The following is an entry in ClinVar:

NM_000937.5(POLR2A):c.3367C>G (p.Arg1123Gly)

Gene: POLR2A (RNA polymerase II subunit A; plus strand). Cytogenetic location: 17p13.1.
Variant type: single nucleotide variant.
Coding change: c.3367C>G on transcript NM_000937.5 (MANE Select); coding-DNA position 3367, C replaced by G.
Protein change: p.Arg1123Gly; replaces arginine 1123 with glycine.
Molecular consequence: missense variant.
Genome position (GRCh38, 1-based): chr17:7,508,377, C>G. VCF-style: chr17-7508377-C-G. GRCh37 (hg19) VCF-style: chr17-7411696-C-G.
Other names: short protein forms R1123G.
Identifiers: ClinVar variation 985419 (VCV000985419.5), dbSNP rs779584016, ClinGen allele CA397808221.

ClinVar aggregate classification (germline): Likely pathogenic (1 of 4 stars; one submission).

Conditions:
Inborn genetic diseases. Identifiers: MedGen C0950123, MeSH D030342.

Submission:

Ambry Genetics
Classification: Likely pathogenic for Inborn genetic diseases. Last evaluated: 2026-02-20. Review status: criteria provided, single submitter. Criteria: Ambry Variant Classification Scheme 2023. Collection method: clinical testing. Allele origin: germline.
Comment: The c.3367C>G (p.R1123G) alteration is located in coding exon 20 of the POLR2A gene. This alteration results from a C to G substitution at nucleotide position 3367, causing the arginine (R) at amino acid position 1123 to be replaced by a glycine (G). Based on data from the Genome Aggregation Database (gnomAD), the POLR2A c.3367C>G alteration was not observed, with coverage at this position. Another alteration at the same codon, p.R1123Q (c.3368G>A), has been described de novo an individual with developmental delay and hypotonia (Firth, 2009). The p.R1123 amino acid is conserved in available vertebrate species. The p.R1123G amino acid is located in the trigger loop region of RPB1, the largest subunit of RNA polymerase II encoded by the POLR2A gene. This protein complex is responsible for the transcription of all protein-encoding genes, as well as several long and short non-coding RNA genes (Haijes, 2019). Amino acid residues in the trigger loop region control the rate of RNA synthesis since they are located around the catalytic site (Haijes, 2019). Structural assessment predicted a dominant negative effect for the p.L1124P variant (Haijes, 2019) located adjacent to this altered p.R1123 residue. Yeast functional studies showed aberrant growth and HeLa cells showed drastically reduced cell viability for the p.L1124P variant (Haijes, 2019). The p.R1123G alteration is predicted to be deleterious by in silico analysis. Based on the available evidence, this alteration is classified as likely pathogenic.

Literature cited by the submitters: PubMed 19344873; PubMed 31353023.